The following is an entry in ClinVar:

NM_000136.3(FANCC):c.871T>C (p.Phe291Leu)

Genes: AOPEP (aminopeptidase O (putative); plus strand), FANCC (FA complementation group C; minus strand). Cytogenetic location: 9q22.32.
Variant type: single nucleotide variant.
Coding change: c.871T>C on transcript NM_000136.3 (MANE Select); coding-DNA position 871, T replaced by C.
Protein change: p.Phe291Leu; replaces phenylalanine 291 with leucine.
Molecular consequence: missense variant.
Genome position (GRCh38, 1-based): chr9:95,126,554, A>G on the plus strand (T>C on the coding strand, the complement: FANCC is on the minus strand). VCF-style: chr9-95126554-A-G. GRCh37 (hg19) VCF-style: chr9-97888836-A-G.
Other names: c.871T>C, p.Phe291Leu (NM_001243743.2, NM_001243744.2); short protein forms F291L.
Identifiers: ClinVar variation 584739 (VCV000584739.8), dbSNP rs769649289, ClinGen allele CA5137611.
Genomic context (GRCh38, chr9:95,126,554, plus strand): 5'-ACATCAATTACTAGAAGAAACAGTGTAACGTTTACCTGAACATCTCATCAACAACCCGGA[A>G]TATGGCAGGGTGGCAGGCTGCTTGAGGCTGTAAAAGGAGAAGACCATGAGAATGTGAAAT-3'
Protein context (NP_000127.2, residues 281-301): LPQAACHPAI[Phe291Leu]RVVDEMFRCA

ClinVar aggregate classification (germline): Uncertain significance. Review status: criteria provided, multiple submitters, no conflicts (2 of 4 stars). 3 submissions from 3 submitters: Uncertain significance (3). Last evaluated 2025-11-11.

Conditions:
Fanconi anemia complementation group C (FANCC). Also called: FANCONI PANCYTOPENIA, TYPE 3; FACC; Fanconi anemia, group C; FANCC-Related Fanconi Anemia. Identifiers: Orphanet 84, MedGen C3468041, MONDO:0009213, OMIM 227645.
Hereditary cancer-predisposing syndrome. Also called: Neoplastic Syndromes, Hereditary; Hereditary Cancer Syndrome; Tumor predisposition; Hereditary neoplastic syndrome. Identifiers: Orphanet 140162, MedGen C0027672, MeSH D009386, MONDO:0015356.
Fanconi anemia (FA). Also called: Fanconi's anemia. Identifiers: Orphanet 84, MedGen C0015625, MeSH D005199, MONDO:0019391.

Allele frequency attached by ClinVar (database versions not stated): gnomAD exomes below 0.00001 and 0.00001; ExAC 0.00001; gnomAD 0.00001.
gnomAD v4.1: 9 of 1,613,918 alleles (0.00056%); highest among the groups gnomAD compares: Non-Finnish European, 0.000085%; no homozygotes.

Submissions (3):

Ambry Genetics
Classification: Uncertain significance for Hereditary cancer-predisposing syndrome. Last evaluated: 2025-11-11. Review status: criteria provided, single submitter. Criteria: Ambry Variant Classification Scheme 2023. Collection method: clinical testing. Allele origin: germline.
Comment: The p.F291L variant (also known as c.871T>C), located in coding exon 8 of the FANCC gene, results from a T to C substitution at nucleotide position 871. The phenylalanine at codon 291 is replaced by leucine, an amino acid with highly similar properties. This amino acid position is highly conserved in available vertebrate species. In addition, the in silico prediction for this alteration is inconclusive. Since supporting evidence is limited at this time, the clinical significance of this alteration remains unclear.

Labcorp Genetics (formerly Invitae), Labcorp
Classification: Uncertain significance for Fanconi anemia. Last evaluated: 2022-05-06. Review status: criteria provided, single submitter. Criteria: Invitae Variant Classification Sherloc (09022015). Collection method: clinical testing. Allele origin: germline.
Comment: This sequence change replaces phenylalanine, which is neutral and non-polar, with leucine, which is neutral and non-polar, at codon 291 of the FANCC protein (p.Phe291Leu). This variant is present in population databases (rs769649289, gnomAD 0.004%). This variant has not been reported in the literature in individuals affected with FANCC-related conditions. ClinVar contains an entry for this variant (Variation ID: 584739). Algorithms developed to predict the effect of missense changes on protein structure and function are either unavailable or do not agree on the potential impact of this missense change (SIFT: "Deleterious"; PolyPhen-2: "Probably Damaging"; Align-GVGD: "Class C15"). In summary, the available evidence is currently insufficient to determine the role of this variant in disease. Therefore, it has been classified as a Variant of Uncertain Significance.

Mendelics
Classification: Uncertain significance for Fanconi anemia, complementation group C. Last evaluated: 2018-07-02. Review status: criteria provided, single submitter. Criteria: Mendelics Assertion Criteria 2017. Collection method: clinical testing. Allele origin: unknown.